The following is an entry in ClinVar:

NM_001252024.2(TRPM1):c.1228C>T (p.Arg410Ter)

Gene: TRPM1 (transient receptor potential cation channel subfamily M member 1; minus strand). Cytogenetic location: 15q13.3.
Variant type: single nucleotide variant.
Coding change: c.1228C>T on transcript NM_001252024.2 (MANE Select); coding-DNA position 1228, C replaced by T.
Protein change: p.Arg410Ter; replaces arginine 410 with a stop codon.
Molecular consequence: nonsense.
Genome position (GRCh38, 1-based): chr15:31,060,579, G>A on the plus strand (C>T on the coding strand, the complement: TRPM1 is on the minus strand). VCF-style: chr15-31060579-G-A. GRCh37 (hg19) VCF-style: chr15-31352782-G-A.
Other names: c.1279C>T, p.Arg427Ter (NM_001252020.2); c.1162C>T, p.Arg388Ter (NM_002420.6); short protein forms R388*, R427*, R410*.
Identifiers: ClinVar variation 959414 (VCV000959414.8), dbSNP rs755579580, ClinGen allele CA7452643.

ClinVar aggregate classification (germline): Pathogenic (1 of 4 stars; one submission).

Allele frequency attached by ClinVar (database versions not stated): TOPMed 0.00001; ExAC 0.00002.
gnomAD v4.1: 11 of 1,614,230 alleles (0.00068%); highest among the groups gnomAD compares: South Asian, 0.0022%; no homozygotes.

Submission:

Labcorp Genetics (formerly Invitae), Labcorp
Classification: Pathogenic. Last evaluated: 2024-11-08. Review status: criteria provided, single submitter. Criteria: Invitae Variant Classification Sherloc (09022015). Collection method: clinical testing. Allele origin: germline.
Comment: This sequence change creates a premature translational stop signal (p.Arg388*) in the TRPM1 gene. It is expected to result in an absent or disrupted protein product. Loss-of-function variants in TRPM1 are known to be pathogenic (PMID: 19896113, 19966281, 20300565). This variant is present in population databases (rs755579580, gnomAD 0.006%). This variant has not been reported in the literature in individuals affected with TRPM1-related conditions. ClinVar contains an entry for this variant (Variation ID: 959414). Algorithms developed to predict the effect of sequence changes on RNA splicing suggest that this variant may disrupt the consensus splice site. For these reasons, this variant has been classified as Pathogenic.

Literature cited by the submitters: PubMed 19896113; PubMed 19966281; PubMed 20300565.